The following is an entry in ClinVar:

ClinVar aggregate classification (germline): Uncertain significance (1 of 4 stars; one submission).

Allele frequency attached by ClinVar (database versions not stated): gnomAD 0.00001; gnomAD exomes 0.00001.
gnomAD v4.1: 8 of 1,613,546 alleles (0.0005%); highest among the groups gnomAD compares: South Asian, 0.0088%; no homozygotes.

Submission:

Labcorp Genetics (formerly Invitae), Labcorp
Classification: Uncertain significance. Last evaluated: 2022-07-19. Review status: criteria provided, single submitter. Criteria: Invitae Variant Classification Sherloc (09022015). Collection method: clinical testing. Allele origin: germline.
Comment: This sequence change replaces valine, which is neutral and non-polar, with alanine, which is neutral and non-polar, at codon 272 of the HPS3 protein (p.Val272Ala). This variant is not present in population databases (gnomAD no frequency). This variant has not been reported in the literature in individuals affected with HPS3-related conditions. Algorithms developed to predict the effect of missense changes on protein structure and function are either unavailable or do not agree on the potential impact of this missense change (SIFT: "Deleterious"; PolyPhen-2: "Benign"; Align-GVGD: "Class C0"). In summary, the available evidence is currently insufficient to determine the role of this variant in disease. Therefore, it has been classified as a Variant of Uncertain Significance.

NM_032383.5(HPS3):c.815T>C (p.Val272Ala)

Gene: HPS3 (HPS3 biogenesis of lysosomal organelles complex 2 subunit 1; plus strand). Cytogenetic location: 3q24.
Variant type: single nucleotide variant.
Coding change: c.815T>C on transcript NM_032383.5 (MANE Select); coding-DNA position 815, T replaced by C.
Protein change: p.Val272Ala; replaces valine 272 with alanine.
Molecular consequence: missense variant.
Genome position (GRCh38, 1-based): chr3:149,141,119, T>C. VCF-style: chr3-149141119-T-C. GRCh37 (hg19) VCF-style: chr3-148858906-T-C.
Other names: c.320T>C, p.Val107Ala (NM_001308258.2); short protein forms V107A, V272A.
Identifiers: ClinVar variation 2199040 (VCV002199040.1), dbSNP rs1722415450, ClinGen allele CA354913527.